The following is an entry in ClinVar:

ClinVar aggregate classification (germline): Uncertain significance (1 of 4 stars; one submission).

Submission:

GeneDx
Classification: Uncertain significance. Last evaluated: 2025-10-14. Review status: criteria provided, single submitter. Criteria: GeneDx Variant Classification Process June 2021. Collection method: clinical testing. Allele origin: germline. Affected: yes.
Comment: Not observed at significant frequency in large population cohorts (gnomAD); In silico analysis suggests that this missense variant does not alter protein structure/function; Has not been previously published as pathogenic or benign to our knowledge

NM_020922.5(WNK3):c.3197C>G (p.Thr1066Ser)

Gene: WNK3 (WNK lysine deficient protein kinase 3; minus strand). Cytogenetic location: Xp11.22.
Variant type: single nucleotide variant.
Coding change: c.3197C>G on transcript NM_020922.5 (MANE Select); coding-DNA position 3197, C replaced by G.
Protein change: p.Thr1066Ser; replaces threonine 1066 with serine.
Molecular consequence: missense variant.
Genome position (GRCh38, 1-based): chrX:54,249,151, G>C on the plus strand (C>G on the coding strand, the complement: WNK3 is on the minus strand). VCF-style: chrX-54249151-G-C. GRCh37 (hg19) VCF-style: chrX-54275584-G-C.
Other names: c.3197C>G, p.Thr1066Ser (NM_001002838.4, NM_001395166.1); short protein forms T1066S.
Identifiers: ClinVar variation 3901730 (VCV003901730.2).